The following is an entry in ClinVar:

ClinVar aggregate classification (germline): Conflicting classifications of pathogenicity. Review status: criteria provided, conflicting classifications (1 of 4 stars). 7 submissions from 7 submitters: Uncertain significance (5); Likely benign (1). 1 of the submissions does not count toward it. Last evaluated 2026-01-05.

Conditions:
Hereditary cancer-predisposing syndrome. Also called: Neoplastic Syndromes, Hereditary; Tumor predisposition; Hereditary Cancer Syndrome; Hereditary neoplastic syndrome. Identifiers: Orphanet 140162, MedGen C0027672, MeSH D009386, MONDO:0015356.
Familial cancer of breast. Also called: BREAST CANCER, FAMILIAL; hereditary breast carcinoma; Hereditary breast cancer. Identifiers: Orphanet 227535, MedGen C0346153, MONDO:0016419, OMIM 114480. Disease mechanism: loss of function.

Allele frequency attached by ClinVar (database versions not stated): gnomAD 0.00001; ExAC 0.00002; TOPMed 0.00002.
gnomAD v4.1: 16 of 1,596,264 alleles (0.001%); highest among the groups gnomAD compares: South Asian, 0.0055%; no homozygotes.

Submissions (7):

Labcorp Genetics (formerly Invitae), Labcorp
Classification: Uncertain significance for Familial cancer of breast. Last evaluated: 2026-01-05. Review status: criteria provided, single submitter. Criteria: Invitae Variant Classification Sherloc (09022015). Collection method: clinical testing. Allele origin: germline.
Comment: This sequence change replaces glutamic acid, which is acidic and polar, with lysine, which is basic and polar, at codon 531 of the CHEK2 protein (p.Glu531Lys). The frequency data for this variant in the population databases is considered unreliable, as metrics indicate poor data quality at this position in the gnomAD database. This variant has not been reported in the literature in individuals affected with CHEK2-related conditions. ClinVar contains an entry for this variant (Variation ID: 231134). An algorithm developed to predict the effect of missense changes on protein structure and function outputs the following: PolyPhen-2: "Benign". The lysine amino acid residue is found in multiple mammalian species, which suggests that this missense change does not adversely affect protein function. In summary, the available evidence is currently insufficient to determine the role of this variant in disease. Therefore, it has been classified as a Variant of Uncertain Significance.

Ambry Genetics
Classification: Likely benign for Hereditary cancer-predisposing syndrome. Last evaluated: 2024-10-05. Review status: criteria provided, single submitter. Criteria: Ambry Variant Classification Scheme 2023. Collection method: clinical testing. Allele origin: germline.

Color Diagnostics, LLC DBA Color Health
Classification: Uncertain significance for Hereditary cancer-predisposing syndrome. Last evaluated: 2024-03-06. Review status: criteria provided, single submitter. Criteria: ACMG Guidelines, 2015. Collection method: clinical testing. Allele origin: germline.
Comment: This missense variant replaces glutamic acid with lysine at codon 531 of the CHEK2 protein. Computational prediction suggests that this variant may not impact protein structure and function (internally defined REVEL score threshold <= 0.5, PMID: 27666373). To our knowledge, functional studies have not been reported for this variant. This variant has not been reported in individuals affected with CHEK2-related disorders in the literature. This variant has not been identified in the general population by the Genome Aggregation Database (gnomAD). The available evidence is insufficient to determine the role of this variant in disease conclusively. Therefore, this variant is classified as a Variant of Uncertain Significance.

Women's Health and Genetics/Laboratory Corporation of America, LabCorp
Classification: Uncertain significance. Last evaluated: 2023-04-18. Review status: criteria provided, single submitter. Criteria: LabCorp Variant Classification Summary - May 2015. Collection method: clinical testing. Allele origin: germline.
Comment: Variant summary: CHEK2 c.1591G>A (p.Glu531Lys) results in a conservative amino acid change in the encoded protein sequence. Five of five in-silico tools predict a benign effect of the variant on protein function. The variant allele was found at a frequency of 2.1e-05 in 233650 control chromosomes. The available data on variant occurrences in the general population are insufficient to allow any conclusion about variant significance. To our knowledge, no occurrence of c.1591G>A in individuals affected with Hereditary Breast And Ovarian Cancer Syndrome and no experimental evidence demonstrating its impact on protein function have been reported. Five clinical diagnostic laboratories have submitted clinical-significance assessments for this variant to ClinVar after 2014 without evidence for independent evaluation. All laboratories classified the variant as uncertain significance. Based on the evidence outlined above, the variant was classified as uncertain significance.

Myriad Genetics, Inc.
Classification: Uncertain significance for Familial cancer of breast. Last evaluated: 2023-03-08. Review status: criteria provided, single submitter. Criteria: Myriad Autosomal Dominant, Autosomal Recessive and X-Linked Classification Criteria (2023). Collection method: clinical testing. Allele origin: unknown.
Comment: This variant is classified as a variant of uncertain significance as there is insufficient evidence to determine its impact on protein function and/or cancer risk.

GeneDx
Classification: Uncertain significance. Last evaluated: 2022-06-13. Review status: criteria provided, single submitter. Criteria: GeneDx Variant Classification Process June 2021. Collection method: clinical testing. Allele origin: germline. Affected: yes.
Comment: Not observed at significant frequency in large population cohorts (gnomAD); In silico analysis supports that this missense variant does not alter protein structure/function; Has not been previously published as pathogenic or benign to our knowledge; This variant is associated with the following publications: (PMID: 27535533)

Counsyl
Classification: Uncertain significance for Familial cancer of breast. Last evaluated: 2017-11-10. Review status: no assertion criteria provided. Collection method: clinical testing. Allele origin: unknown. Not counted in ClinVar's aggregate classification.

NM_007194.4(CHEK2):c.1591G>A (p.Glu531Lys)

Gene: CHEK2 (checkpoint kinase 2; minus strand). Cytogenetic location: 22q12.1.
Variant type: single nucleotide variant.
Coding change: c.1591G>A on transcript NM_007194.4 (MANE Select); coding-DNA position 1591, G replaced by A.
Protein change: p.Glu531Lys; replaces glutamic acid 531 with lysine.
Molecular consequence: missense variant.
Genome position (GRCh38, 1-based): chr22:28,687,938, C>T on the plus strand (G>A on the coding strand, the complement: CHEK2 is on the minus strand). VCF-style: chr22-28687938-C-T. GRCh37 (hg19) VCF-style: chr22-29083926-C-T.
Other names: c.1720G>A, p.Glu574Lys (NM_001005735.3); c.928G>A, p.Glu310Lys (NM_001257387.3); c.1390G>A, p.Glu464Lys (NM_001349956.3); c.1504G>A, p.Glu502Lys (NM_145862.3); short protein forms E531K, E310K, E502K, E574K, E464K.
Identifiers: ClinVar variation 231134 (VCV000231134.24), dbSNP rs587781710, ClinGen allele CA10167605.